The following is an entry in ClinVar:

ClinVar aggregate classification (germline): Pathogenic (1 of 4 stars; one submission).

gnomAD v4.1: 10 of 1,612,188 alleles (0.00062%); highest among the groups gnomAD compares: Non-Finnish European, 0.00076%; no homozygotes.

Submission:

Labcorp Genetics (formerly Invitae), Labcorp
Classification: Pathogenic. Last evaluated: 2023-11-27. Review status: criteria provided, single submitter. Criteria: Invitae Variant Classification Sherloc (09022015). Collection method: clinical testing. Allele origin: germline.
Comment: This sequence change creates a premature translational stop signal (p.Tyr538*) in the SLC12A1 gene. It is expected to result in an absent or disrupted protein product. Loss-of-function variants in SLC12A1 are known to be pathogenic (PMID: 8640224, 9585600, 19096086). This variant is present in population databases (rs6493311, gnomAD 0.002%). This premature translational stop signal has been observed in individual(s) with Bartter syndrome (PMID: 27748541). Algorithms developed to predict the effect of sequence changes on RNA splicing suggest that this variant may disrupt the consensus splice site. For these reasons, this variant has been classified as Pathogenic.

Literature cited by the submitters: PubMed 8640224; PubMed 9585600; PubMed 19096086; PubMed 27748541.

NM_000338.3(SLC12A1):c.1614T>A (p.Tyr538Ter)

Gene: SLC12A1 (solute carrier family 12 member 1; plus strand). Cytogenetic location: 15q21.1.
Variant type: single nucleotide variant.
Coding change: c.1614T>A on transcript NM_000338.3 (MANE Select); coding-DNA position 1614, T replaced by A.
Protein change: p.Tyr538Ter; replaces tyrosine 538 with a stop codon.
Molecular consequence: nonsense.
Genome position (GRCh38, 1-based): chr15:48,247,390, T>A. VCF-style: chr15-48247390-T-A. GRCh37 (hg19) VCF-style: chr15-48539587-T-A.
Other names: c.1614T>A, p.Tyr538Ter (NM_001184832.2, NM_001384136.1); short protein forms Y538*.
Identifiers: ClinVar variation 2736216 (VCV002736216.3), dbSNP rs6493311, ClinGen allele CA7547157.